The following is an entry in ClinVar:

NM_004360.5(CDH1):c.936T>G (p.Pro312=)

Gene: CDH1 (cadherin 1; plus strand). Cytogenetic location: 16q22.1.
Variant type: single nucleotide variant.
Coding change: c.936T>G on transcript NM_004360.5 (MANE Select); coding-DNA position 936, T replaced by G.
Protein change: p.Pro312=; no amino-acid change (proline 312 retained).
Molecular consequence: synonymous variant. On other transcripts: 5 prime UTR variant (2).
Genome position (GRCh38, 1-based): chr16:68,811,787, T>G. VCF-style: chr16-68811787-T-G. GRCh37 (hg19) VCF-style: chr16-68845690-T-G.
Other names: c.936T>G, p.Pro312= (NM_001317184.2); c.-680T>G (NM_001317185.2); c.-884T>G (NM_001317186.2).
Identifiers: ClinVar variation 3378632 (VCV003378632.1).

ClinVar aggregate classification (germline): Benign (1 of 4 stars; one submission).

Conditions:
Hereditary diffuse gastric adenocarcinoma (HDGC). Also called: DIFFUSE GASTRIC AND LOBULAR BREAST CANCER SYNDROME. Identifiers: Orphanet 26106, MedGen C1708349, MONDO:0007648, OMIM 137215.

Submission:

Myriad Genetics, Inc.
Classification: Benign for Hereditary diffuse gastric adenocarcinoma. Last evaluated: 2024-09-17. Review status: criteria provided, single submitter. Criteria: Myriad Autosomal Dominant, Autosomal Recessive and X-Linked Classification Criteria (2023). Collection method: clinical testing. Allele origin: unknown.
Comment: This variant is considered benign. This variant is a silent/synonymous amino acid change and it is not expected to impact splicing.